The following is an entry in ClinVar:

NM_004380.3(CREBBP):c.2267T>G (p.Met756Arg)

Gene: CREBBP (CREB binding lysine acetyltransferase; minus strand). Cytogenetic location: 16p13.3.
Variant type: single nucleotide variant.
Coding change: c.2267T>G on transcript NM_004380.3 (MANE Select); coding-DNA position 2267, T replaced by G.
Protein change: p.Met756Arg; replaces methionine 756 with arginine.
Molecular consequence: missense variant.
Genome position (GRCh38, 1-based): chr16:3,774,585, A>C on the plus strand (T>G on the coding strand, the complement: CREBBP is on the minus strand). VCF-style: chr16-3774585-A-C. GRCh37 (hg19) VCF-style: chr16-3824586-A-C.
Other names: c.2153T>G, p.Met718Arg (NM_001079846.1); short protein forms M718R, M756R.
Identifiers: ClinVar variation 4984381 (VCV004984381.2).

ClinVar aggregate classification (germline): Uncertain significance. Review status: criteria provided, multiple submitters, no conflicts (2 of 4 stars). 2 submissions from 2 submitters: Uncertain significance (2). Last evaluated 2026-07-08.

Conditions:
CREBBP-related disorder. Also called: CREBBP-related condition; CREBBP-related disorders.

gnomAD v4.1: 13 of 1,614,098 alleles (0.00081%); highest among the groups gnomAD compares: African/African-American, 0.0027%; no homozygotes.

Submissions (2):

PreventionGenetics, part of Exact Sciences
Classification: Uncertain significance for CREBBP-related condition. Last evaluated: 2026-07-08. Review status: criteria provided, single submitter. Criteria: ACMG Guidelines, 2015. Collection method: clinical testing. Allele origin: germline.
Comment: The CREBBP c.2267T>G variant is predicted to result in the amino acid substitution p.Met756Arg. To our knowledge, this variant has not been reported in the literature. This variant is reported in 0.0062% of alleles in individuals of African descent in gnomAD. Although we suspect that this variant may be benign, at this time, the clinical significance of this variant is uncertain due to the absence of conclusive functional and genetic evidence.

GeneDx
Classification: Uncertain significance. Last evaluated: 2026-04-04. Review status: criteria provided, single submitter. Criteria: GeneDx Variant Classification Process June 2021. Collection method: clinical testing. Allele origin: germline.
Comment: In silico analysis supports that this missense variant has a deleterious effect on protein structure/function; Has not been previously published as pathogenic or benign to our knowledge